The following is an entry in ClinVar:

NM_015047.3(EMC1):c.2237_2240del (p.Glu746fs)

Genes: EMC1 (ER membrane protein complex subunit 1; minus strand), EMC1-AS1 (EMC1 antisense RNA 1; plus strand). Cytogenetic location: 1p36.13.
Variant type: Microsatellite.
Coding change: c.2237_2240del on transcript NM_015047.3 (MANE Select); coding-DNA positions 2237 to 2240, 4 bases deleted (AGAG; older notation c.2237_2240delAGAG).
Protein change: p.Glu746fs; shifts the reading frame from glutamic acid 746.
Molecular consequence: frameshift variant.
Genome position (GRCh38, 1-based): chr1:19,223,532-19,223,535, CTCT deleted on the plus strand (AGAG on the coding strand, the reverse complement: EMC1 is on the minus strand); deleting any 4 consecutive bases within chr1:19,223,532-19,223,537 gives the same sequence; the c. name uses the placement nearest the transcript's 3' end. VCF-style (leftmost placement, unchanged base first): chr1-19223531-GCTCT-G. GRCh37 (hg19) VCF-style: chr1-19550025-GCTCT-G.
Other names: c.2234_2237del, p.Glu745fs (NM_001271427.2, NM_001271428.2); c.2171_2174del, p.Glu724fs (NM_001271429.2); c.2246_2249del, p.Glu749fs (NM_001375820.1); c.2243_2246del, p.Glu748fs (NM_001375821.1); short protein forms E724fs, E745fs, E748fs, E746fs, E749fs.
Identifiers: ClinVar variation 1438620 (VCV001438620.7), dbSNP rs773033814, ClinGen allele CA652342.

ClinVar aggregate classification (germline): Pathogenic/Likely pathogenic. Review status: criteria provided, multiple submitters, no conflicts (2 of 4 stars). 2 submissions from 2 submitters: Pathogenic (1); Likely pathogenic (1). Last evaluated 2021-06-09.

Conditions:
EMC1-related disorder. Also called: EMC1-related condition.

Submissions (2):

Blueprint Genetics
Classification: Likely pathogenic for EMC1-related disorders. Last evaluated: 2021-06-09. Review status: criteria provided, single submitter. Criteria: ACMG Guidelines, 2015. Collection method: clinical testing. Allele origin: germline. Affected: yes. Observed: 1 variant allele.

Labcorp Genetics (formerly Invitae), Labcorp
Classification: Pathogenic. Last evaluated: 2021-02-17. Review status: criteria provided, single submitter. Criteria: Invitae Variant Classification Sherloc (09022015). Collection method: clinical testing. Allele origin: germline.
Comment: For these reasons, this variant has been classified as Pathogenic. This variant has not been reported in the literature in individuals with EMC1-related conditions. The frequency data for this variant in the population databases is considered unreliable, as metrics indicate poor data quality at this position in the ExAC database. This sequence change creates a premature translational stop signal (p.Glu746Alafs*116) in the EMC1 gene. It is expected to result in an absent or disrupted protein product. Loss-of-function variants in EMC1 are known to be pathogenic (PMID: 26572623, 26942288, 29271071).

Literature cited by the submitters: PubMed 26572623 (cited by Labcorp Genetics (formerly Invitae), Labcorp); PubMed 26942288 (cited by Labcorp Genetics (formerly Invitae), Labcorp); PubMed 29271071 (cited by Labcorp Genetics (formerly Invitae), Labcorp).